The following is an entry in ClinVar:

ClinVar aggregate classification (germline): Likely benign (0 of 4 stars; one submission).

Conditions:
ABHD12-related disorder. Also called: ABHD12-related condition.

gnomAD v4.1: 21 of 1,613,900 alleles (0.0013%); highest among the groups gnomAD compares: South Asian, 0.014%; no homozygotes.

Submission:

PreventionGenetics, part of Exact Sciences
Classification: Likely benign for ABHD12-related condition. Last evaluated: 2019-05-28. Review status: no assertion criteria provided. Collection method: clinical testing. Allele origin: germline.
Comment: This variant is classified as likely benign based on ACMG/AMP sequence variant interpretation guidelines (Richards et al. 2015 PMID: 25741868, with internal and published modifications).

NM_001042472.3(ABHD12):c.620-7C>T

Genes: ABHD12 (abhydrolase domain containing 12, lysophospholipase; minus strand), LOC126863008 (CDK7 strongly-dependent group 2 enhancer GRCh37_chr20:25289826-25291025; plus strand). Cytogenetic location: 20p11.21.
Variant type: single nucleotide variant.
Coding change: c.620-7C>T on transcript NM_001042472.3 (MANE Select); 7 bases into the intron before coding-DNA position 620, C replaced by T.
Molecular consequence: intron variant.
Genome position (GRCh38, 1-based): chr20:25,309,582, G>A on the plus strand (C>T on the coding strand, the complement: ABHD12 is on the minus strand). VCF-style: chr20-25309582-G-A. GRCh37 (hg19) VCF-style: chr20-25290218-G-A.
Other names: c.620-7C>T (NM_015600.5).
Identifiers: ClinVar variation 3350330 (VCV003350330.1).
Genomic context (GRCh38, chr20:25,309,582, plus strand): 5'-GTGCGTCATAGGTCATGCCCCGCTCAGATGGCGTTCCCACTGAGTCACCCCAACCTGGGA[G>A]GGAGAAACGGCAGGACGGGGAGGTCAAAGGCAGCTCACAAAACCTGGACAAACACACCTC-3'